The following is an entry in ClinVar:

NM_014000.3(VCL):c.2089_2103del (p.Thr697_Gln701del)

Gene: VCL (vinculin; plus strand). Cytogenetic location: 10q22.2.
Variant type: Deletion.
Coding change: c.2089_2103del on transcript NM_014000.3 (MANE Select); coding-DNA positions 2089 to 2103, 15 bases deleted (ACCATGAAGAACCAG).
Protein change: p.Thr697_Gln701del.
Molecular consequence: inframe deletion.
Genome position (GRCh38, 1-based): chr10:74,103,886-74,103,900, ACCATGAAGAACCAG deleted; deleting any 15 consecutive bases within chr10:74,103,884-74,103,900 gives the same sequence; the c. name uses the placement nearest the transcript's 3' end. VCF-style (leftmost placement, unchanged base first): chr10-74103883-GAGACCATGAAGAACC-G. GRCh37 (hg19) VCF-style: chr10-75863641-GAGACCATGAAGAACC-G.
Other names: c.2089_2103del, p.Thr697_Gln701del (NM_003373.4).
Identifiers: ClinVar variation 2850869 (VCV002850869.3), dbSNP rs2549231557, ClinGen allele CA2739275825.

ClinVar aggregate classification (germline): Uncertain significance (1 of 4 stars; one submission).

Conditions:
Dilated cardiomyopathy 1W (CMD1W). Identifiers: Orphanet 154, MedGen C1969639, MONDO:0012667, OMIM 611407.

Submission:

Labcorp Genetics (formerly Invitae), Labcorp
Classification: Uncertain significance for Dilated cardiomyopathy 1W. Last evaluated: 2023-03-30. Review status: criteria provided, single submitter. Criteria: Invitae Variant Classification Sherloc (09022015). Collection method: clinical testing. Allele origin: germline.
Comment: In summary, the available evidence is currently insufficient to determine the role of this variant in disease. Therefore, it has been classified as a Variant of Uncertain Significance. Algorithms developed to predict the effect of sequence changes on RNA splicing suggest that this variant may disrupt the consensus splice site. Experimental studies and prediction algorithms are not available or were not evaluated, and the functional significance of this variant is currently unknown. This variant has not been reported in the literature in individuals affected with VCL-related conditions. This variant is not present in population databases (gnomAD no frequency). This variant, c.2089_2103del, results in the deletion of 5 amino acid(s) of the VCL protein (p.Thr697_Gln701del), but otherwise preserves the integrity of the reading frame.